The following is an entry in ClinVar:

ClinVar aggregate classification (germline): Uncertain significance. Review status: criteria provided, multiple submitters, no conflicts (2 of 4 stars). 2 submissions from 2 submitters: Uncertain significance (2). Last evaluated 2022-06-06.

Allele frequency attached by ClinVar (database versions not stated): ExAC 0.00001; gnomAD 0.00001; gnomAD exomes 0.00001; TOPMed 0.00001.
gnomAD v4.1: 26 of 1,613,824 alleles (0.0016%); highest among the groups gnomAD compares: Middle Eastern, 0.016%; no homozygotes.

Submissions (2):

Blueprint Genetics
Classification: Uncertain significance. Last evaluated: 2022-06-06. Review status: criteria provided, single submitter. Criteria: ACMG Guidelines, 2015. Collection method: clinical testing. Allele origin: germline.

Labcorp Genetics (formerly Invitae), Labcorp
Classification: Uncertain significance. Last evaluated: 2021-08-15. Review status: criteria provided, single submitter. Criteria: Invitae Variant Classification Sherloc (09022015). Collection method: clinical testing. Allele origin: germline.
Comment: This sequence change replaces glutamic acid with lysine at codon 437 of the CYP4V2 protein (p.Glu437Lys). The glutamic acid residue is highly conserved and there is a small physicochemical difference between glutamic acid and lysine. This variant is present in population databases (rs750224316, ExAC 0.006%). This variant has not been reported in the literature in individuals affected with CYP4V2-related conditions. Algorithms developed to predict the effect of missense changes on protein structure and function are either unavailable or do not agree on the potential impact of this missense change (SIFT: "Deleterious"; PolyPhen-2: "Probably Damaging"; Align-GVGD: "Class C0"). In summary, the available evidence is currently insufficient to determine the role of this variant in disease. Therefore, it has been classified as a Variant of Uncertain Significance.

NM_207352.4(CYP4V2):c.1309G>A (p.Glu437Lys)

Gene: CYP4V2 (cytochrome P450 family 4 subfamily V member 2; plus strand). Cytogenetic location: 4q35.2.
Variant type: single nucleotide variant.
Coding change: c.1309G>A on transcript NM_207352.4 (MANE Select); coding-DNA position 1309, G replaced by A.
Protein change: p.Glu437Lys; replaces glutamic acid 437 with lysine.
Molecular consequence: missense variant.
Genome position (GRCh38, 1-based): chr4:186,209,176, G>A. VCF-style: chr4-186209176-G-A. GRCh37 (hg19) VCF-style: chr4-187130330-G-A.
Other names: short protein forms E437K.
Identifiers: ClinVar variation 1522486 (VCV001522486.4), dbSNP rs750224316, ClinGen allele CA3162824.
Genomic context (GRCh38, chr4:186,209,176, plus strand): 5'-ACTGAAGCCGTCATCATTCCCTATGCATTGCACAGAGATCCGAGATACTTCCCCAACCCC[G>A]AGGAGTTCCAGCCTGAGCGGTTCTTCCCCGAGAATGCACAAGGGCGCCATCCATATGCCT-3'
Protein context (NP_997235.3, residues 427-447): HRDPRYFPNP[Glu437Lys]EFQPERFFPE